The following is an entry in ClinVar:

ClinVar aggregate classification (germline): Uncertain significance (1 of 4 stars; one submission).

Submission:

Labcorp Genetics (formerly Invitae), Labcorp
Classification: Uncertain significance. Last evaluated: 2024-04-18. Review status: criteria provided, single submitter. Criteria: Invitae Variant Classification Sherloc (09022015). Collection method: clinical testing. Allele origin: germline.
Comment: This variant, c.1616_1617insTGT, results in the insertion of 1 amino acid(s) of the ZSWIM6 protein (p.Leu539_Tyr540insVal), but otherwise preserves the integrity of the reading frame. This variant is not present in population databases (gnomAD no frequency). This variant has not been reported in the literature in individuals affected with ZSWIM6-related conditions. In summary, the available evidence is currently insufficient to determine the role of this variant in disease. Therefore, it has been classified as a Variant of Uncertain Significance.

NM_020928.2(ZSWIM6):c.1616_1617insTGT (p.Leu539_Tyr540insVal)

Gene: ZSWIM6 (zinc finger SWIM-type containing 6; plus strand). Cytogenetic location: 5q12.1.
Variant type: Insertion.
Coding change: c.1616_1617insTGT on transcript NM_020928.2 (MANE Select); coding-DNA positions 1616 to 1617, TGT inserted.
Protein change: p.Leu539_Tyr540insVal.
Genome position: GRCh38 VCF-style: chr5-61525901-C-CTTG. GRCh37 (hg19) VCF-style: chr5-60821728-C-CTTG.
Identifiers: ClinVar variation 3650342 (VCV003650342.2).
Genomic context (GRCh38, chr5:61,525,901, plus strand): 5'-ATCGAGGCATGCGATCTCCACTGGCAGGATAGCCACTTGCAGCACATTATCAGCAGTGAC[C>CTTG]TATACACCAACTACTGTTACCATGACGACACTGAAAACTCCCTCTTCGACTCCCGCGGGT-3'